The following is an entry in ClinVar:

ClinVar aggregate classification (germline): Uncertain significance. Review status: criteria provided, multiple submitters, no conflicts (2 of 4 stars). 4 submissions from 4 submitters: Uncertain significance (3). 1 of the submissions does not count toward it. Last evaluated 2025-07-02.

Conditions:
Inborn genetic diseases. Identifiers: MedGen C0950123, MeSH D030342.
increased susceptibility to pneumonia.

gnomAD v4.1: 21 of 1,613,910 alleles (0.0013%); highest among the groups gnomAD compares: East Asian, 0.0022%; no homozygotes.

Submissions (4):

GeneDx
Classification: Uncertain significance. Last evaluated: 2025-07-02. Review status: criteria provided, single submitter. Criteria: GeneDx Variant Classification Process June 2021. Collection method: clinical testing. Allele origin: germline. Affected: yes.
Comment: Not observed at significant frequency in large population cohorts (gnomAD); In silico analysis supports that this missense variant has a deleterious effect on protein structure/function; In silico analysis suggests this variant may impact gene splicing. In the absence of RNA/functional studies, the actual effect of this sequence change is unknown.; Identified as homozygous in a cohort of children with acute lower respiratory tract infection (PMID: 39496954); This variant is associated with the following publications: (PMID: 39496954, Walker2022[paper])

Blueprint Genetics
Classification: Uncertain significance. Last evaluated: 2024-10-28. Review status: criteria provided, single submitter. Criteria: ACMG Guidelines, 2015. Collection method: clinical testing. Allele origin: germline.

Ambry Genetics
Classification: Uncertain significance for Inborn genetic diseases. Last evaluated: 2024-06-10. Review status: criteria provided, single submitter. Criteria: Ambry Variant Classification Scheme 2023. Collection method: clinical testing. Allele origin: germline.

Morley Lab, Washington University School of Medicine in St. Louis
Classification: Likely risk allele for increased susceptibility to pneumonia. Last evaluated: 2024-02-28. Review status: no assertion criteria provided. Collection method: case-control, research. Allele origin: inherited, not applicable. Inheritance: Autosomal recessive inheritance. Affected: yes. Observed: 133 variant alleles, 118 heterozygotes, 15 homozygotes. Clinical features observed: Tachypnea (HP:0002789). Functional consequence: functional variant. Not counted in ClinVar's aggregate classification.
Comment: homozygosity in human population signficantly associated with moderate-severe acute lower respiratory tract infection; homozygosity in mice results in increased susceptibility to pneumococcal lung infection relative to wild-type. Heterozygous either has wild-type or intermediate susceptibility (not fully tested).

NM_182476.3(COQ6):c.922G>T (p.Asp308Tyr)

Genes: COQ6 (coenzyme Q6, monooxygenase; plus strand), ENTPD5 (ectonucleoside triphosphate diphosphohydrolase 5; minus strand). Cytogenetic location: 14q24.3.
Variant type: single nucleotide variant.
Coding change: c.922G>T on transcript NM_182476.3 (MANE Select); coding-DNA position 922, G replaced by T.
Protein change: p.Asp308Tyr; replaces aspartic acid 308 with tyrosine.
Molecular consequence: missense variant. On other transcripts: 3 prime UTR variant (1), intron variant (5).
Genome position (GRCh38, 1-based): chr14:73,961,203, G>T. VCF-style: chr14-73961203-G-T. GRCh37 (hg19) VCF-style: chr14-74427906-G-T.
Other names: c.922G>T, p.Asp308Tyr (NM_001425255.1); c.814G>T, p.Asp272Tyr (NM_001425256.1); c.757G>T, p.Asp253Tyr (NM_001425257.1); c.739G>T, p.Asp247Tyr (NM_001425258.1); c.697G>T, p.Asp233Tyr (NM_001425259.1, NM_001425260.1, NM_001425261.1); c.667G>T, p.Asp223Tyr (NM_001425262.1); c.595G>T, p.Asp199Tyr (NM_001425263.1); c.382G>T, p.Asp128Tyr (NM_001425264.1, NM_001425265.1); and 5 more; short protein forms D283Y, D308Y.
Identifiers: ClinVar variation 3062226 (VCV003062226.5).
Genomic context (GRCh38, chr14:73,961,203, plus strand): 5'-CTTGTTTGTCTTGTGGCTGATGCTGCTCAGTGGAGTGATGCTGACCACACGGACTTCATC[G>T]ACACAGCTGGTGCCATGCTGCAGTATGCTGTCAGCCTTCTGAAGCCCACTAAGGTCTCGG-3'
Protein context (NP_872282.1, residues 298-318): WSDADHTDFI[Asp308Tyr]TAGAMLQYAV